The following is an entry in ClinVar:

NM_000489.6(ATRX):c.4226A>G (p.Lys1409Arg)

Gene: ATRX (ATRX chromatin remodeler; minus strand). Cytogenetic location: Xq21.1.
Variant type: single nucleotide variant.
Coding change: c.4226A>G on transcript NM_000489.6 (MANE Select); coding-DNA position 4226, A replaced by G.
Protein change: p.Lys1409Arg; replaces lysine 1409 with arginine.
Molecular consequence: missense variant.
Genome position (GRCh38, 1-based): chrX:77,654,189, T>C on the plus strand (A>G on the coding strand, the complement: ATRX is on the minus strand). VCF-style: chrX-77654189-T-C. GRCh37 (hg19) VCF-style: chrX-76909679-T-C.
Other names: c.4112A>G, p.Lys1371Arg (NM_138270.5); short protein forms K1371R, K1409R.
Identifiers: ClinVar variation 2134470 (VCV002134470.4), dbSNP rs2148451635, ClinGen allele CA413709671.

ClinVar aggregate classification (germline): Uncertain significance (1 of 4 stars; one submission).

Conditions:
Alpha thalassemia-X-linked intellectual disability syndrome (ATRX). Also called: ALPHA-THALASSEMIA/MENTAL RETARDATION SYNDROME, X-LINKED; ATR, NONDELETION TYPE; ATR-X syndrome; Alpha thalassemia mental retardation syndrome, nondeletion type, X-linked; XLMR hypotonic face syndrome; X-linked alpha-thalassemia-mental retardation syndrome. Identifiers: Orphanet 847, MedGen C1845055, MONDO:0010519, OMIM 301040.

Submission:

Labcorp Genetics (formerly Invitae), Labcorp
Classification: Uncertain significance for Alpha thalassemia-X-linked intellectual disability syndrome. Last evaluated: 2022-05-05. Review status: criteria provided, single submitter. Criteria: Invitae Variant Classification Sherloc (09022015). Collection method: clinical testing. Allele origin: germline.
Comment: This sequence change replaces lysine, which is basic and polar, with arginine, which is basic and polar, at codon 1409 of the ATRX protein (p.Lys1409Arg). In summary, the available evidence is currently insufficient to determine the role of this variant in disease. Therefore, it has been classified as a Variant of Uncertain Significance. Advanced modeling of protein sequence and biophysical properties (such as structural, functional, and spatial information, amino acid conservation, physicochemical variation, residue mobility, and thermodynamic stability) performed at Invitae indicates that this missense variant is not expected to disrupt ATRX protein function. This variant has not been reported in the literature in individuals affected with ATRX-related conditions. This variant is not present in population databases (gnomAD no frequency).